The following is an entry in ClinVar:

NM_024818.6(UBA5):c.1105A>G (p.Thr369Ala)

Genes: NPHP3-ACAD11 (NPHP3-ACAD11 readthrough (NMD candidate); minus strand), UBA5 (ubiquitin like modifier activating enzyme 5; plus strand). Cytogenetic location: 3q22.1.
Variant type: single nucleotide variant.
Coding change: c.1105A>G on transcript NM_024818.6 (MANE Select); coding-DNA position 1105, A replaced by G.
Protein change: p.Thr369Ala; replaces threonine 369 with alanine.
Molecular consequence: missense variant.
Genome position (GRCh38, 1-based): chr3:132,675,897, A>G. VCF-style: chr3-132675897-A-G. GRCh37 (hg19) VCF-style: chr3-132394741-A-G.
Other names: c.937A>G, p.Thr313Ala (NM_001320210.2, NM_198329.4); c.835A>G, p.Thr279Ala (NM_001321238.2); c.769A>G, p.Thr257Ala (NM_001321239.1); c.1105A>G (NM_024818.3); short protein forms T313A, T369A, T257A, T279A.
Identifiers: ClinVar variation 2113834 (VCV002113834.5), dbSNP rs367698484, ClinGen allele CA2621539.
Genomic context (GRCh38, chr3:132,675,897, plus strand): 5'-GTTTCAGAAGAGGAACTGAAAAATTTTTCAGGTCCAGTTCCAGACTTACCTGAAGGAATT[A>G]CAGTGGCATACACAATTCCAAAAAAGGTACTTCAAAAATATGATTTACCCATATGTAAAT-3'
Protein context (NP_079094.1, residues 359-379): GPVPDLPEGI[Thr369Ala]VAYTIPKKQE

ClinVar aggregate classification (germline): Uncertain significance. Review status: criteria provided, multiple submitters, no conflicts (2 of 4 stars). 2 submissions from 2 submitters: Uncertain significance (2). Last evaluated 2025-09-04.

Conditions:
Inborn genetic diseases. Identifiers: MedGen C0950123, MeSH D030342.

Allele frequency attached by ClinVar (database versions not stated): gnomAD exomes below 0.00001; ESP Exome Variant Server 0.00008.
gnomAD v4.1: 2 of 1,610,406 alleles (0.00012%); highest among the groups gnomAD compares: Non-Finnish European, 0.00017%; no homozygotes.

Submissions (2):

Ambry Genetics
Classification: Uncertain significance for Inborn genetic diseases. Last evaluated: 2025-09-04. Review status: criteria provided, single submitter. Criteria: Ambry Variant Classification Scheme 2023. Collection method: clinical testing. Allele origin: germline.

Labcorp Genetics (formerly Invitae), Labcorp
Classification: Uncertain significance. Last evaluated: 2023-08-17. Review status: criteria provided, single submitter. Criteria: Invitae Variant Classification Sherloc (09022015). Collection method: clinical testing. Allele origin: germline.
Comment: In summary, the available evidence is currently insufficient to determine the role of this variant in disease. Therefore, it has been classified as a Variant of Uncertain Significance. An algorithm developed to predict the effect of missense changes on protein structure and function (PolyPhen-2) suggests that this variant is likely to be tolerated. ClinVar contains an entry for this variant (Variation ID: 2113834). This variant has not been reported in the literature in individuals affected with UBA5-related conditions. This variant is not present in population databases (gnomAD no frequency). This sequence change replaces threonine, which is neutral and polar, with alanine, which is neutral and non-polar, at codon 369 of the UBA5 protein (p.Thr369Ala).